The following is an entry in ClinVar:

NM_004281.4(BAG3):c.49G>C (p.Gly17Arg)

Gene: BAG3 (BAG cochaperone 3; plus strand). Cytogenetic location: 10q26.11.
Variant type: single nucleotide variant.
Coding change: c.49G>C on transcript NM_004281.4 (MANE Select); coding-DNA position 49, G replaced by C.
Protein change: p.Gly17Arg; replaces glycine 17 with arginine.
Molecular consequence: missense variant.
Genome position (GRCh38, 1-based): chr10:119,651,724, G>C. VCF-style: chr10-119651724-G-C. GRCh37 (hg19) VCF-style: chr10-121411236-G-C.
Other names: short protein forms G17R.
Identifiers: ClinVar variation 162767 (VCV000162767.17), dbSNP rs727502895, ClinGen allele CA175276.

ClinVar aggregate classification (germline): Conflicting classifications of pathogenicity. Review status: criteria provided, conflicting classifications (1 of 4 stars). 5 submissions from 5 submitters: Uncertain significance (4); Likely benign (1). Last evaluated 2025-12-27.

Conditions:
Cardiovascular phenotype. Identifiers: MedGen CN230736.
Dilated cardiomyopathy 1HH (CMD1HH). Identifiers: Orphanet 154, MedGen C3151293, MONDO:0013479, OMIM 613881.
Myofibrillar myopathy 6. Identifiers: Orphanet 199340, MedGen C2751831, MONDO:0013061, OMIM 612954.

Allele frequency attached by ClinVar (database versions not stated): gnomAD exomes below 0.00001 and 0.00002; TOPMed 0.00002.
gnomAD v4.1: 30 of 1,596,366 alleles (0.0019%); highest among the groups gnomAD compares: Middle Eastern, 0.017%; no homozygotes.

Submissions (5):

Labcorp Genetics (formerly Invitae), Labcorp
Classification: Uncertain significance for Dilated cardiomyopathy 1HH; Myofibrillar myopathy 6. Last evaluated: 2025-12-27. Review status: criteria provided, single submitter. Criteria: Invitae Variant Classification Sherloc (09022015). Collection method: clinical testing. Allele origin: germline.
Comment: This sequence change replaces glycine, which is neutral and non-polar, with arginine, which is basic and polar, at codon 17 of the BAG3 protein (p.Gly17Arg). This variant is present in population databases (rs727502895, gnomAD 0.003%). This variant has not been reported in the literature in individuals affected with BAG3-related conditions. ClinVar contains an entry for this variant (Variation ID: 162767). An algorithm developed to predict the effect of missense changes on protein structure and function outputs the following: PolyPhen-2: "Probably Damaging". The arginine amino acid residue is found in multiple mammalian species, which suggests that this missense change does not adversely affect protein function. In summary, the available evidence is currently insufficient to determine the role of this variant in disease. Therefore, it has been classified as a Variant of Uncertain Significance.

Ambry Genetics
Classification: Likely benign for Cardiovascular phenotype. Last evaluated: 2024-10-02. Review status: criteria provided, single submitter. Criteria: Ambry Variant Classification Scheme 2023. Collection method: clinical testing. Allele origin: germline.

Fulgent Genetics
Classification: Uncertain significance for Myofibrillar myopathy 6; Dilated cardiomyopathy 1HH. Last evaluated: 2021-08-03. Review status: criteria provided, single submitter. Criteria: ACMG Guidelines, 2015. Collection method: clinical testing. Allele origin: unknown.

GeneDx
Classification: Uncertain significance. Last evaluated: 2019-09-17. Review status: criteria provided, single submitter. Criteria: GeneDx Variant Classification Process June 2021. Collection method: clinical testing. Allele origin: germline. Affected: yes.
Comment: Has not been previously published as pathogenic or benign to our knowledge; Not observed at a significant frequency in large population cohorts (Lek et al., 2016); Reported in individuals referred for DCM genetic testing at GeneDx; however, these probands also harbor pathogenic variants in another DCM-related gene; Reported in ClinVar as a variant of uncertain significance (ClinVar Variant ID# 162767; Landrum et al., 2016); In silico analysis, which includes protein predictors and evolutionary conservation, supports that this variant does not alter protein structure/function

Laboratory for Molecular Medicine, Mass General Brigham Personalized Medicine
Classification: Uncertain significance. Last evaluated: 2013-09-24. Review status: criteria provided, single submitter. Criteria: LMM Criteria. Collection method: clinical testing. Allele origin: germline. Observed: 1 variant allele.
Comment: The Gly17Arg variant in BAG3 has not been previously reported in individuals wit h cardiomyopathy. Data from large population studies is insufficient to assess t he frequency of this variant. Computational analyses (biochemical amino acid pro perties, conservation, AlignGVGD, PolyPhen2, and SIFT) suggest that this variant may not impact the protein, though this information is not predictive enough to rule out pathogenicity. Additional information is needed to fully assess the cl inical significance of this variant.